The following is an entry in ClinVar:

NM_000218.3(KCNQ1):c.1719C>A (p.Phe573Leu)

Gene: KCNQ1 (potassium voltage-gated channel subfamily Q member 1; plus strand). Cytogenetic location: 11p15.5.
Variant type: single nucleotide variant.
Coding change: c.1719C>A on transcript NM_000218.3 (MANE Select); coding-DNA position 1719, C replaced by A.
Protein change: p.Phe573Leu; replaces phenylalanine 573 with leucine.
Molecular consequence: missense variant.
Genome position (GRCh38, 1-based): chr11:2,777,019, C>A. VCF-style: chr11-2777019-C-A. GRCh37 (hg19) VCF-style: chr11-2798249-C-A.
Other names: c.1719C>A (LRG_287t1); c.1623C>A, p.Phe541Leu (NM_001406836.1); c.1449C>A, p.Phe483Leu (NM_001406837.1); c.1179C>A, p.Phe393Leu (NM_001406838.1); c.1338C>A, p.Phe446Leu (NM_181798.2); short protein forms F573L, F446L, F541L, F483L, F393L.
Identifiers: ClinVar variation 53012 (VCV000053012.4), dbSNP rs199472810, ClinGen allele CA006277.

ClinVar aggregate classification (germline): Uncertain significance. Review status: criteria provided, single submitter (1 of 4 stars). 2 submissions from 2 submitters: Uncertain significance (1). 1 of the submissions does not count toward it. Last evaluated 2021-01-11.

Conditions:
Cardiovascular phenotype. Identifiers: MedGen CN230736.
Familial long QT syndrome (RWS). Also called: Congenital long QT syndrome; Romano-Ward syndrome; VENTRICULAR FIBRILLATION WITH PROLONGED QT INTERVAL. Identifiers: Orphanet 768, MedGen C1141890, MONDO:0019171.

gnomAD v4.1: 1 of 1,614,128 alleles (0.000062%); no homozygotes.

Submissions (2):

Ambry Genetics
Classification: Uncertain significance for Cardiovascular phenotype. Last evaluated: 2021-01-11. Review status: criteria provided, single submitter. Criteria: Ambry Variant Classification Scheme 2023. Collection method: clinical testing. Allele origin: germline.

Cardiovascular Biomedical Research Unit, Royal Brompton & Harefield NHS Foundation Trust
No classification provided. Condition: Familial long QT syndrome. Review status: no classification provided. Collection method: literature only. Allele origin: germline. Not counted in ClinVar's aggregate classification.
Comment: This variant has been reported as associated with Long QT syndrome in the following publications (PMID:16414944). This is a literature report, and does not necessarily reflect the clinical interpretation of the Imperial College / Royal Brompton Cardiovascular Genetics laboratory.

Literature cited by the submitters: PubMed 16414944 (cited by Cardiovascular Biomedical Research Unit, Royal Brompton & Harefield NHS Foundation Trust); PubMed 22581653 (cited by Cardiovascular Biomedical Research Unit, Royal Brompton & Harefield NHS Foundation Trust).